The following is an entry in ClinVar:

NM_024503.5(HIVEP3):c.6812G>A (p.Gly2271Asp)

Gene: HIVEP3 (HIVEP zinc finger 3; minus strand). Cytogenetic location: 1p34.2.
Variant type: single nucleotide variant.
Coding change: c.6812G>A on transcript NM_024503.5 (MANE Select); coding-DNA position 6812, G replaced by A.
Protein change: p.Gly2271Asp; replaces glycine 2271 with aspartic acid.
Molecular consequence: missense variant.
Genome position (GRCh38, 1-based): chr1:41,510,860, C>T on the plus strand (G>A on the coding strand, the complement: HIVEP3 is on the minus strand). VCF-style: chr1-41510860-C-T. GRCh37 (hg19) VCF-style: chr1-41976531-C-T.
Other names: c.6809G>A, p.Gly2270Asp (NM_001127714.3); short protein forms G2270D, G2271D.
Identifiers: ClinVar variation 3349653 (VCV003349653.1).

ClinVar aggregate classification (germline): Uncertain significance (0 of 4 stars; one submission).

Conditions:
HIVEP3-related disorder. Also called: HIVEP3-related condition.

gnomAD v4.1: 14 of 1,613,380 alleles (0.00087%); highest among the groups gnomAD compares: Admixed American, 0.0017%; no homozygotes.

Submission:

PreventionGenetics, part of Exact Sciences
Classification: Uncertain significance for HIVEP3-related condition. Last evaluated: 2024-04-08. Review status: no assertion criteria provided. Collection method: clinical testing. Allele origin: germline.
Comment: The HIVEP3 c.6812G>A variant is predicted to result in the amino acid substitution p.Gly2271Asp. To our knowledge, this variant has not been reported in the literature or in a large population database, indicating this variant is rare. At this time, the clinical significance of this variant is uncertain due to the absence of conclusive functional and genetic evidence.